The following is an entry in ClinVar:

ClinVar aggregate classification (germline): Uncertain significance (1 of 4 stars; one submission).

Conditions:
Emery-Dreifuss muscular dystrophy 5, autosomal dominant (EDMD5). Also called: EMERY-DREIFUSS MUSCULAR DYSTROPHY 5. Identifiers: Orphanet 261, MedGen C2751805, MONDO:0013072, OMIM 612999.

Allele frequency attached by ClinVar (database versions not stated): gnomAD exomes below 0.00001; TOPMed below 0.00001.
gnomAD v4.1: 2 of 1,614,164 alleles (0.00012%); highest among the groups gnomAD compares: Admixed American, 0.0017%; no homozygotes.

Submission:

Labcorp Genetics (formerly Invitae), Labcorp
Classification: Uncertain significance for Emery-Dreifuss muscular dystrophy 5, autosomal dominant. Last evaluated: 2024-01-02. Review status: criteria provided, single submitter. Criteria: Invitae Variant Classification Sherloc (09022015). Collection method: clinical testing. Allele origin: germline.
Comment: This sequence change replaces valine, which is neutral and non-polar, with methionine, which is neutral and non-polar, at codon 735 of the SYNE2 protein (p.Val735Met). This variant is present in population databases (no rsID available, gnomAD 0.003%). This variant has not been reported in the literature in individuals affected with SYNE2-related conditions. ClinVar contains an entry for this variant (Variation ID: 1471052). Algorithms developed to predict the effect of missense changes on protein structure and function output the following: SIFT: "Not Available"; PolyPhen-2: "Benign"; Align-GVGD: "Not Available". The methionine amino acid residue is found in multiple mammalian species, which suggests that this missense change does not adversely affect protein function. In summary, the available evidence is currently insufficient to determine the role of this variant in disease. Therefore, it has been classified as a Variant of Uncertain Significance.

NM_182914.3(SYNE2):c.2203G>A (p.Val735Met)

Gene: SYNE2 (spectrin repeat containing nuclear envelope protein 2; plus strand). Cytogenetic location: 14q23.2.
Variant type: single nucleotide variant.
Coding change: c.2203G>A on transcript NM_182914.3 (MANE Select); coding-DNA position 2203, G replaced by A.
Protein change: p.Val735Met; replaces valine 735 with methionine.
Molecular consequence: missense variant.
Genome position (GRCh38, 1-based): chr14:63,986,507, G>A. VCF-style: chr14-63986507-G-A. GRCh37 (hg19) VCF-style: chr14-64453225-G-A.
Other names: c.2203G>A, p.Val735Met (NM_015180.6); short protein forms V735M.
Identifiers: ClinVar variation 1471052 (VCV001471052.8), dbSNP rs994577244, ClinGen allele CA261832010.